The following is an entry in ClinVar:

ClinVar aggregate classification (germline): Pathogenic/Likely pathogenic. Review status: criteria provided, multiple submitters, no conflicts (2 of 4 stars). 6 submissions from 6 submitters: Pathogenic (2); Likely pathogenic (3). 1 of the submissions does not count toward it. Last evaluated 2025-02-09.

Conditions:
Wilson disease (WND). Also called: Wilson's disease. Identifiers: Orphanet 905, MedGen C0019202, MONDO:0010200, OMIM 277900. Disease mechanism: loss of function.

Allele frequency attached by ClinVar (database versions not stated): gnomAD exomes below 0.00001.

Submissions (6):

Labcorp Genetics (formerly Invitae), Labcorp
Classification: Pathogenic for Wilson disease. Last evaluated: 2025-02-09. Review status: criteria provided, single submitter. Criteria: Invitae Variant Classification Sherloc (09022015). Collection method: clinical testing. Allele origin: germline.
Comment: This sequence change creates a premature translational stop signal (p.Val459Leufs*38) in the ATP7B gene. It is expected to result in an absent or disrupted protein product. Loss-of-function variants in ATP7B are known to be pathogenic (PMID: 10441329, 16283883). This variant is not present in population databases (gnomAD no frequency). This variant has not been reported in the literature in individuals affected with ATP7B-related conditions. ClinVar contains an entry for this variant (Variation ID: 417911). For these reasons, this variant has been classified as Pathogenic.

Fulgent Genetics
Classification: Likely pathogenic for Wilson disease. Last evaluated: 2024-05-07. Review status: criteria provided, single submitter. Criteria: ACMG Guidelines, 2015. Collection method: clinical testing. Allele origin: germline.

All of Us Research Program, National Institutes of Health
Classification: Pathogenic for Wilson disease. Last evaluated: 2023-12-13. Review status: criteria provided, single submitter. Criteria: ACMG Guidelines, 2015. Collection method: clinical testing. Allele origin: germline. Inheritance: Autosomal recessive inheritance. Observed: 2 variant alleles, 2 heterozygotes.
Comment: This variant deletes 4 nucleotides in exon 3 of the ATP7B gene, creating a frameshift and premature translation stop signal. This variant is expected to result in an absent or non-functional protein product. To our knowledge, this variant has not been reported in individuals affected with Wilson disease in the literature. This variant has not been identified in the general population by the Genome Aggregation Database (gnomAD). Loss of ATP7B function is a known mechanism of disease. Based on the available evidence, this variant is classified as Pathogenic.

This study involves interpretation of variants in research participants for the purpose of population health screening. Participant phenotype was not available at the time of variant classification. Additional details can be found in publication PMID: 35346344, PMCID: PMC8962531

Baylor Genetics
Classification: Likely pathogenic for Wilson disease. Last evaluated: 2022-04-11. Review status: criteria provided, single submitter. Criteria: ACMG Guidelines, 2015. Collection method: clinical testing. Allele origin: unknown.

Laboratory for Molecular Medicine, Mass General Brigham Personalized Medicine
Classification: Likely pathogenic for Wilson disease. Last evaluated: 2020-06-11. Review status: criteria provided, single submitter. Criteria: ACMG Guidelines, 2015. Collection method: clinical testing. Allele origin: germline.
Comment: The p.Val459LeufsX38 variant in ATP7B has not been previously reported in individuals with Wilson disease and was absent from large population studies. This variant is predicted to cause a frameshift, which alters the protein’s amino acid sequence beginning at position 459 and leads to a premature termination codon 38 amino acids downstream. This alteration is then predicted to lead to a truncated or absent protein. Loss of function of the ATP7B gene is an established disease mechanism in autosomal recessive Wilson disease. In summary, although additional studies are required to fully establish its clinical significance, this variant meets criteria to be classified as likely pathogenic for autosomal recessive Wilson disease. ACMG/AMP Criteria applied: PVS1, PM2.

Division of Human Genetics, Children's Hospital of Philadelphia
Classification: Likely pathogenic for Wilson disease. Last evaluated: 2016-02-17. Review status: no assertion criteria provided. Collection method: research. Allele origin: germline. Study: CSER-PediSeq. Not counted in ClinVar's aggregate classification.

Literature cited by the submitters: PubMed 10441329 (cited by Labcorp Genetics (formerly Invitae), Labcorp); PubMed 16283883 (cited by Labcorp Genetics (formerly Invitae), Labcorp).

NM_000053.4(ATP7B):c.1374_1377del (p.Val459fs)

Gene: ATP7B (ATPase copper transporting beta; minus strand). Cytogenetic location: 13q14.3.
Variant type: Deletion.
Coding change: c.1374_1377del on transcript NM_000053.4 (MANE Select); coding-DNA positions 1374 to 1377, 4 bases deleted (AGTG; older notation c.1374_1377delAGTG).
Protein change: p.Val459fs; shifts the reading frame from valine 459.
Molecular consequence: frameshift variant.
Genome position (GRCh38, 1-based): chr13:51,970,658-51,970,661, CACT deleted on the plus strand (AGTG on the coding strand, the reverse complement: ATP7B is on the minus strand). VCF-style (leftmost placement, unchanged base first): chr13-51970657-CCACT-C. GRCh37 (hg19) VCF-style: chr13-52544793-CCACT-C.
Other names: c.1374_1377del, p.Val459fs (NM_001005918.3, NM_001330578.2, NM_001330579.2); c.1041_1044del, p.Val348fs (NM_001243182.2); short protein forms V348fs, V459fs.
Identifiers: ClinVar variation 417911 (VCV000417911.7), dbSNP rs1060499593, ClinGen allele CA16616924.